The following is an entry in ClinVar:

ClinVar aggregate classification (germline): Pathogenic (1 of 4 stars; one submission).

Submission:

Labcorp Genetics (formerly Invitae), Labcorp
Classification: Pathogenic. Last evaluated: 2024-01-20. Review status: criteria provided, single submitter. Criteria: Invitae Variant Classification Sherloc (09022015). Collection method: clinical testing. Allele origin: germline.
Comment: This sequence change creates a premature translational stop signal (p.Gln340Profs*49) in the GREB1L gene. It is expected to result in an absent or disrupted protein product. Loss-of-function variants in GREB1L are known to be pathogenic (PMID: 29100090, 29100091). This variant is not present in population databases (gnomAD no frequency). This variant has not been reported in the literature in individuals affected with GREB1L-related conditions. For these reasons, this variant has been classified as Pathogenic.

Literature cited by the submitters: PubMed 29100090; PubMed 29100091.

NM_001142966.3(GREB1L):c.1013dup (p.Gln340fs)

Genes: GREB1L-AS1 (GREB1L antisense RNA 1; minus strand), GREB1L (GREB1 like retinoic acid receptor coactivator; plus strand). Cytogenetic location: 18q11.1.
Variant type: Duplication.
Coding change: c.1013dup on transcript NM_001142966.3 (MANE Select); coding-DNA position 1013, one base duplicated (T; older notation c.1013dupT).
Protein change: p.Gln340fs; shifts the reading frame from glutamine 340.
Molecular consequence: frameshift variant.
Genome position (GRCh38, 1-based): chr18:21,440,332, T duplicated. VCF-style (leftmost placement, unchanged base first): chr18-21440331-C-CT. GRCh37 (hg19) VCF-style: chr18-19020292-C-CT.
Other names: c.1142dup, p.Gln383fs (NM_001410867.1); c.1013dup, p.Gln340fs (NM_001410868.1); short protein forms Q340fs, Q383fs.
Identifiers: ClinVar variation 2708595 (VCV002708595.3), dbSNP rs2511352938, ClinGen allele CA2697555320.